The following is an entry in ClinVar:

NM_000520.6(HEXA):c.1461C>G (p.Asn487Lys)

Gene: HEXA (hexosaminidase subunit alpha; minus strand). Cytogenetic location: 15q23.
Variant type: single nucleotide variant.
Coding change: c.1461C>G on transcript NM_000520.6 (MANE Select); coding-DNA position 1461, C replaced by G.
Protein change: p.Asn487Lys; replaces asparagine 487 with lysine.
Molecular consequence: missense variant. On other transcripts: non-coding transcript variant (1).
Genome position (GRCh38, 1-based): chr15:72,345,511, G>C on the plus strand (C>G on the coding strand, the complement: HEXA is on the minus strand). VCF-style: chr15-72345511-G-C. GRCh37 (hg19) VCF-style: chr15-72637852-G-C.
Other names: c.1494C>G, p.Asn498Lys (NM_001318825.2); short protein forms N487K, N498K.
Identifiers: ClinVar variation 3392646 (VCV003392646.2).
Genomic context (GRCh38, chr15:72,345,511, plus strand): 5'-CAATTCACAGCGGAAGTGTGACAAACGTTCATAGGCAAATGTCAGGTCAGATGTCAACTT[G>C]TTGCTCCACAGCCTTTCGGCAACAGCCCCTGCTCTGGGCCTGGAGGAAAAGGGGCATGTG-3'
Protein context (NP_000511.2, residues 477-497): AGAVAERLWS[Asn487Lys]KLTSDLTFAY

ClinVar aggregate classification (germline): Uncertain significance (1 of 4 stars; one submission).

Submission:

GeneDx
Classification: Uncertain significance. Last evaluated: 2026-02-04. Review status: criteria provided, single submitter. Criteria: GeneDx Variant Classification Process June 2021. Collection method: clinical testing. Allele origin: germline.
Comment: Not observed at significant frequency in large population cohorts (gnomAD); In silico analysis indicates that this missense variant does not alter protein structure/function; Has not been previously published as pathogenic or benign to our knowledge